The following is an entry in ClinVar:

ClinVar aggregate classification (germline): Uncertain significance. Review status: criteria provided, multiple submitters, no conflicts (2 of 4 stars). 5 submissions from 5 submitters: Uncertain significance (5). Last evaluated 2025-12-10.

Conditions:
Episodic ataxia type 2 (EA2). Also called: CEREBELLAR ATAXIA, PAROXYSMAL, ACETAZOLAMIDE-RESPONSIVE; CEREBELLOPATHY, HEREDITARY PAROXYSMAL; EPISODIC ATAXIA, NYSTAGMUS-ASSOCIATED; ACETAZOLAMIDE-RESPONSIVE HEREDITARY PAROXYSMAL CEREBELLAR ATAXIA; ATAXIA, EPISODIC, WITH NYSTAGMUS; ATAXIA, FAMILIAL PAROXYSMAL. Identifiers: Orphanet 97, MedGen C1720416, MONDO:0007163, OMIM 108500.
Spinocerebellar ataxia type 6 (SCA6). Identifiers: Orphanet 98758, MedGen C0752124, MONDO:0008457, OMIM 183086.
Migraine, familial hemiplegic, 1. Also called: MIGRAINE, FAMILIAL HEMIPLEGIC 1, WITH PROGRESSIVE CEREBELLAR ATAXIA. Identifiers: Orphanet 569, MedGen C1832884, MONDO:0020756, OMIM 141500, MONDO:0007714.
Developmental and epileptic encephalopathy, 42 (DEE42A). Also called: Epileptic encephalopathy, early infantile, 42; DEVELOPMENTAL AND EPILEPTIC ENCEPHALOPATHY 42A; EPILEPTIC ENCEPHALOPATHY, EARLY INFANTILE, 42A. Identifiers: MedGen C4310716, MONDO:0014917, OMIM 617106.

Allele frequency attached by ClinVar (database versions not stated): gnomAD 0.00003 and 0.00007; gnomAD exomes 0.00004; 1000 Genomes Project 30x 0.00359.

Submissions (5):

Labcorp Genetics (formerly Invitae), Labcorp
Classification: Uncertain significance for Developmental and epileptic encephalopathy, 42; Episodic ataxia type 2. Last evaluated: 2025-12-10. Review status: criteria provided, single submitter. Criteria: Invitae Variant Classification Sherloc (09022015). Collection method: clinical testing. Allele origin: germline.
Comment: This sequence change replaces histidine, which is basic and polar, with proline, which is neutral and non-polar, at codon 2216 of the CACNA1A protein (p.His2216Pro). The frequency data for this variant in the population databases is considered unreliable, as metrics indicate poor data quality at this position in the gnomAD database. This missense change has been observed in individual(s) with clinical features of CACNA1A-related conditions (internal data). ClinVar contains an entry for this variant (Variation ID: 1039348). Invitae Evidence Modeling of protein sequence and biophysical properties (such as structural, functional, and spatial information, amino acid conservation, physicochemical variation, residue mobility, and thermodynamic stability) indicates that this missense variant is not expected to disrupt CACNA1A protein function with a negative predictive value of 95%. In summary, the available evidence is currently insufficient to determine the role of this variant in disease. Therefore, it has been classified as a Variant of Uncertain Significance.

CeGaT Center for Human Genetics Tuebingen
Classification: Uncertain significance. Last evaluated: 2025-10-01. Review status: criteria provided, single submitter. Criteria: CeGaT Center For Human Genetics Tuebingen Variant Classification Criteria Version 2. Collection method: clinical testing. Allele origin: germline. Affected: yes. Observed: 1 variant allele.

Women's Health and Genetics/Laboratory Corporation of America, LabCorp
Classification: Uncertain significance. Last evaluated: 2024-07-09. Review status: criteria provided, single submitter. Criteria: LabCorp Variant Classification Summary - May 2015. Collection method: clinical testing. Allele origin: germline.
Comment: Variant summary: CACNA1A c.6647A>C (p.His2216Pro) results in a non-conservative amino acid change in the encoded protein sequence. Four of five in-silico tools predict a damaging effect of the variant on protein function. The variant allele was found at a frequency of 5.8e-06 in 13779922 control chromosomes. This frequency is not significantly higher than estimated for a pathogenic variant in CACNA1A causing Epileptic Encephalopathy, Early Infantile, 42, allowing no conclusion about variant significance. To our knowledge, no occurrence of c.6647A>C in individuals affected with Epileptic Encephalopathy, Early Infantile, 42 and no experimental evidence demonstrating its impact on protein function have been reported. ClinVar contains an entry for this variant (Variation ID: 1039348). Based on the evidence outlined above, the variant was classified as uncertain significance.

GeneDx
Classification: Uncertain significance. Last evaluated: 2023-07-07. Review status: criteria provided, single submitter. Criteria: GeneDx Variant Classification Process June 2021. Collection method: clinical testing. Allele origin: germline. Affected: yes.
Comment: Observed in patient with small vessel disease in published literature (Tan et al., 2019); however, no further clinical information was provided; In silico analysis supports that this missense variant has a deleterious effect on protein structure/function; This variant is associated with the following publications: (PMID: 28539123, 31719132)

Fulgent Genetics
Classification: Uncertain significance for Episodic ataxia type 2; Migraine, familial hemiplegic, 1; Spinocerebellar ataxia type 6; Developmental and epileptic encephalopathy, 42. Last evaluated: 2022-04-06. Review status: criteria provided, single submitter. Criteria: ACMG Guidelines, 2015. Collection method: clinical testing. Allele origin: unknown.

NM_001127222.2(CACNA1A):c.6644A>C (p.His2215Pro)

Gene: CACNA1A (calcium voltage-gated channel subunit alpha1 A; minus strand). Cytogenetic location: 19p13.13.
Variant type: single nucleotide variant.
Coding change: c.6644A>C on transcript NM_001127222.2 (MANE Select); coding-DNA position 6644, A replaced by C.
Protein change: p.His2215Pro; replaces histidine 2215 with proline.
Molecular consequence: missense variant.
Genome position (GRCh38, 1-based): chr19:13,208,892, T>G on the plus strand (A>C on the coding strand, the complement: CACNA1A is on the minus strand). VCF-style: chr19-13208892-T-G. GRCh37 (hg19) VCF-style: chr19-13319706-T-G.
Other names: c.6662A>C, p.His2221Pro (NM_000068.4, NM_023035.3); c.6647A>C, p.His2216Pro (NM_001127221.2); c.6653A>C, p.His2218Pro (NM_001174080.2); short protein forms H2218P, H2215P, H2216P, H2221P.
Identifiers: ClinVar variation 1039348 (VCV001039348.18), dbSNP rs1233829101, ClinGen allele CA404330459.